The following is an entry in ClinVar:

NM_001378454.1(ALMS1):c.11072A>T (p.Glu3691Val)

Gene: ALMS1 (ALMS1 centrosome and basal body associated protein; plus strand). Cytogenetic location: 2p13.1.
Variant type: single nucleotide variant.
Coding change: c.11072A>T on transcript NM_001378454.1 (MANE Select); coding-DNA position 11072, A replaced by T.
Protein change: p.Glu3691Val; replaces glutamic acid 3691 with valine.
Molecular consequence: missense variant.
Genome position (GRCh38, 1-based): chr2:73,572,949, A>T. VCF-style: chr2-73572949-A-T. GRCh37 (hg19) VCF-style: chr2-73800076-A-T.
Other names: c.11075A>T, p.Glu3692Val (NM_015120.4); short protein forms E3691V, E3692V.
Identifiers: ClinVar variation 4993464 (VCV004993464.1).
Genomic context (GRCh38, chr2:73,572,949, plus strand): 5'-ATAAGCTTCAGAAAAAGAAGCGGTTTAAAAGCCTAGAGAAAAGCCATAAAAATACAGGCG[A>T]GCTTAAAAAAAGCAAGGTGCTTTCTCATCATCGAGCTGGGAGGTCTAATCAAATTAAAAT-3'
Protein context (NP_001365383.1, residues 3681-3701): SLEKSHKNTG[Glu3691Val]LKKSKVLSHH

ClinVar aggregate classification (germline): Uncertain significance (1 of 4 stars; one submission).

Conditions:
ALMS1-related disorder. Also called: ALMS1-related condition.

Submission:

PreventionGenetics, part of Exact Sciences
Classification: Uncertain significance for ALMS1-related condition. Last evaluated: 2025-11-30. Review status: criteria provided, single submitter. Criteria: ACMG Guidelines, 2015. Collection method: clinical testing. Allele origin: germline.
Comment: The ALMS1 c.11075A>T variant is predicted to result in the amino acid substitution p.Lys3692Ile. To our knowledge, this variant has not been reported in the literature or in a large population database (gnomAD), indicating this variant is rare. At this time, the clinical significance of this variant is uncertain due to the absence of conclusive functional and genetic evidence.